The following is an entry in ClinVar:

ClinVar aggregate classification (germline): Pathogenic. Review status: criteria provided, multiple submitters, no conflicts (2 of 4 stars). 2 submissions from 2 submitters: Pathogenic (2). Last evaluated 2023-11-30.

Conditions:
Methylmalonic aciduria due to methylmalonyl-CoA mutase deficiency (MAMM). Also called: Methylmalonic aciduria, mut type. Identifiers: Orphanet 27, MedGen C1855114, MONDO:0009612, OMIM 251000.

Submissions (2):

Myriad Genetics, Inc.
Classification: Pathogenic for Methylmalonic aciduria due to methylmalonyl-CoA mutase deficiency. Last evaluated: 2023-11-30. Review status: criteria provided, single submitter. Criteria: Myriad Autosomal Dominant, Autosomal Recessive and X-Linked Classification Criteria (2023). Collection method: clinical testing. Allele origin: unknown.
Comment: NM_000255.3(MMUT):c.526G>T(G176*) is expected to be pathogenic in the context of methylmalonic acidemia, MMUT-related. This variant is predicted to lead to an abnormal or absent protein product due to the creation of a premature termination codon in MMUT, a gene where loss-of-function variants are known to be pathogenic. Please note: this variant was assessed in the context of healthy population screening.

Labcorp Genetics (formerly Invitae), Labcorp
Classification: Pathogenic. Last evaluated: 2023-07-13. Review status: criteria provided, single submitter. Criteria: Invitae Variant Classification Sherloc (09022015). Collection method: clinical testing. Allele origin: germline.
Comment: For these reasons, this variant has been classified as Pathogenic. Algorithms developed to predict the effect of sequence changes on RNA splicing suggest that this variant may disrupt the consensus splice site. This variant has not been reported in the literature in individuals affected with MUT-related conditions. This variant is not present in population databases (gnomAD no frequency). This sequence change creates a premature translational stop signal (p.Gly176*) in the MUT gene. It is expected to result in an absent or disrupted protein product. Loss-of-function variants in MUT are known to be pathogenic (PMID: 15781192).

Literature cited by the submitters: PubMed 15781192 (cited by Labcorp Genetics (formerly Invitae), Labcorp).

NM_000255.4(MMUT):c.526G>T (p.Gly176Ter)

Gene: MMUT (methylmalonyl-CoA mutase; minus strand). Cytogenetic location: 6p12.3.
Variant type: single nucleotide variant.
Coding change: c.526G>T on transcript NM_000255.4 (MANE Select); coding-DNA position 526, G replaced by T.
Protein change: p.Gly176Ter; replaces glycine 176 with a stop codon.
Molecular consequence: nonsense.
Genome position (GRCh38, 1-based): chr6:49,457,918, C>A on the plus strand (G>T on the coding strand, the complement: MMUT is on the minus strand). VCF-style: chr6-49457918-C-A. GRCh37 (hg19) VCF-style: chr6-49425631-C-A.
Other names: short protein forms G176*.
Identifiers: ClinVar variation 2734575 (VCV002734575.4), dbSNP rs2481347349, ClinGen allele CA364404540.